The following is an entry in ClinVar:

ClinVar aggregate classification (germline): Pathogenic/Likely pathogenic. Review status: criteria provided, multiple submitters, no conflicts (2 of 4 stars). 2 submissions from 2 submitters: Pathogenic (1); Likely pathogenic (1). Last evaluated 2022-09-23.

Submissions (2):

Revvity Omics, Revvity
Classification: Likely pathogenic. Last evaluated: 2022-09-23. Review status: criteria provided, single submitter. Criteria: ACMG Guidelines, 2015. Collection method: clinical testing. Allele origin: germline.

GeneDx
Classification: Pathogenic. Last evaluated: 2014-07-23. Review status: criteria provided, single submitter. Criteria: GeneDx Variant Classification (06012015). Collection method: clinical testing. Allele origin: germline. Affected: yes.
Comment: c.4548delG: p.Lys1518AsnfsX21 (K1518NfsX21) in exon 24 of the SCN1A gene (NM_001165963.1). The normal sequence with the base that is deleted in braces is: GATC{G}AAAAAAC. The c.4548delG mutation in the SCN1A gene causes a frameshift starting with codon Lysine 1518, changes this amino acid to a Asparagine residue and creates a premature Stop codon at position 21 of the new reading frame, denoted p.Lys1518AsnfsX21. This mutation is predicted to cause loss of normal protein function either through protein truncation or nonsense-mediated mRNA decay. Although to our knowledge this mutation has not been reported previously, a deletion of a different nucleotide (c.4554delA) resulting in the same frameshift at the protein level has been reported previously as a de novo mutation in an individual with Dravet syndrome (Depienne et al., 2009). Therefore, the presence of c.4548delG is consistent with a diagnosis of an SCN1A-related disorder. The variant is found in EPILEPSY panel(s).

NM_001165963.4(SCN1A):c.4548del (p.Lys1518fs)

Genes: SCN1A (sodium voltage-gated channel alpha subunit 1; minus strand), LOC102724058 (uncharacterized LOC102724058; plus strand). Cytogenetic location: 2q24.3.
Variant type: Deletion.
Coding change: c.4548del on transcript NM_001165963.4 (MANE Select); coding-DNA position 4548, one base deleted (G; older notation c.4548delG).
Protein change: p.Lys1518fs; shifts the reading frame from lysine 1518.
Molecular consequence: frameshift variant. On other transcripts: non-coding transcript variant (1).
Genome position (GRCh38, 1-based): chr2:165,996,046, C deleted on the plus strand (G on the coding strand, the reverse complement: SCN1A is on the minus strand). VCF-style (leftmost placement, unchanged base first): chr2-165996045-TC-T. GRCh37 (hg19) VCF-style: chr2-166852555-TC-T.
Other names: c.4548del (NM_001165963.3); c.4464del, p.Lys1490fs (NM_001165964.3, NM_001353957.2, NM_001353958.2); c.4548del, p.Lys1518fs (NM_001202435.3, NM_001353948.2); c.4515del, p.Lys1507fs (NM_001353949.2, NM_001353950.2, NM_001353951.2 and 2 more transcripts); c.4512del, p.Lys1506fs (NM_001353954.2, NM_001353955.2); c.4461del, p.Lys1489fs (NM_001353960.2); c.2106del, p.Lys704fs (NM_001353961.2); short protein forms K1507fs, K1518fs, K1490fs, K1506fs, K704fs, K1489fs.
Identifiers: ClinVar variation 206919 (VCV000206919.4), dbSNP rs796053081, ClinGen allele CA317737.